The following is an entry in ClinVar:

ClinVar aggregate classification (germline): Uncertain significance. Review status: criteria provided, multiple submitters, no conflicts (2 of 4 stars). 2 submissions from 2 submitters: Uncertain significance (2). Last evaluated 2025-06-24.

Submissions (2):

GeneDx
Classification: Uncertain significance. Last evaluated: 2025-06-24. Review status: criteria provided, single submitter. Criteria: GeneDx Variant Classification Process June 2021. Collection method: clinical testing. Allele origin: germline. Affected: yes.
Comment: Not observed at significant frequency in large population cohorts (gnomAD); In silico analysis supports that this missense variant has a deleterious effect on protein structure/function; Has not been previously published as pathogenic or benign to our knowledge

Blueprint Genetics
Classification: Uncertain significance. Last evaluated: 2021-08-16. Review status: criteria provided, single submitter. Criteria: ACMG Guidelines, 2015. Collection method: clinical testing. Allele origin: germline.

NM_001170629.2(CHD8):c.4451G>A (p.Arg1484Gln)

Gene: CHD8 (chromodomain helicase DNA binding protein 8; minus strand). Cytogenetic location: 14q11.2.
Variant type: single nucleotide variant.
Coding change: c.4451G>A on transcript NM_001170629.2 (MANE Select); coding-DNA position 4451, G replaced by A.
Protein change: p.Arg1484Gln; replaces arginine 1484 with glutamine.
Molecular consequence: missense variant.
Genome position (GRCh38, 1-based): chr14:21,400,532, C>T on the plus strand (G>A on the coding strand, the complement: CHD8 is on the minus strand). VCF-style: chr14-21400532-C-T. GRCh37 (hg19) VCF-style: chr14-21868691-C-T.
Other names: c.3614G>A, p.Arg1205Gln (NM_020920.4); short protein forms R1205Q, R1484Q.
Identifiers: ClinVar variation 431808 (VCV000431808.4), dbSNP rs1555314383, ClinGen allele CA388894006.